The following is an entry in ClinVar:

NM_001379110.1(SLC9A6):c.622T>A (p.Ser208Thr)

Gene: SLC9A6 (solute carrier family 9 member A6; plus strand). Cytogenetic location: Xq26.3.
Variant type: single nucleotide variant.
Coding change: c.622T>A on transcript NM_001379110.1 (MANE Select); coding-DNA position 622, T replaced by A.
Protein change: p.Ser208Thr; replaces serine 208 with threonine.
Molecular consequence: missense variant.
Genome position (GRCh38, 1-based): chrX:135,998,953, T>A. VCF-style: chrX-135998953-T-A. GRCh37 (hg19) VCF-style: chrX-135081112-T-A.
Other names: c.778T>A, p.Ser260Thr (NM_001042537.2); c.622T>A, p.Ser208Thr (NM_001177651.2, NM_001400909.1, NM_001400910.1 and 2 more transcripts); c.526T>A, p.Ser176Thr (NM_001330652.2, NM_001400913.1); c.682T>A, p.Ser228Thr (NM_006359.3); short protein forms S208T, S176T, S228T, S260T.
Identifiers: ClinVar variation 2758237 (VCV002758237.3), dbSNP rs2521189516, ClinGen allele CA414750273.

ClinVar aggregate classification (germline): Uncertain significance (1 of 4 stars; one submission).

Conditions:
Christianson syndrome (MRXSCH). Also called: INTELLECTUAL DEVELOPMENTAL DISORDER, X-LINKED, SYNDROMIC, CHRISTIANSON TYPE; X-linked mental retardation, syndromic, Christianson type; SLC9A6-Related Syndromic Mental Retardation. Identifiers: Orphanet 85278, MedGen C2678194, MONDO:0010278, OMIM 300243.

Submission:

Labcorp Genetics (formerly Invitae), Labcorp
Classification: Uncertain significance for Christianson syndrome. Last evaluated: 2024-01-06. Review status: criteria provided, single submitter. Criteria: Invitae Variant Classification Sherloc (09022015). Collection method: clinical testing. Allele origin: germline.
Comment: This sequence change replaces serine, which is neutral and polar, with threonine, which is neutral and polar, at codon 228 of the SLC9A6 protein (p.Ser228Thr). This variant is not present in population databases (gnomAD no frequency). This variant has not been reported in the literature in individuals affected with SLC9A6-related conditions. Advanced modeling of protein sequence and biophysical properties (such as structural, functional, and spatial information, amino acid conservation, physicochemical variation, residue mobility, and thermodynamic stability) performed at Invitae indicates that this missense variant is expected to disrupt SLC9A6 protein function with a positive predictive value of 80%. In summary, the available evidence is currently insufficient to determine the role of this variant in disease. Therefore, it has been classified as a Variant of Uncertain Significance.